The following is an entry in ClinVar:

ClinVar aggregate classification (germline): Uncertain significance (1 of 4 stars; one submission).

Conditions:
Dilated cardiomyopathy 1G (CMD1G). Identifiers: Orphanet 154, MedGen C1858763, MONDO:0011400, OMIM 604145.
Autosomal recessive limb-girdle muscular dystrophy type 2J (LGMDR10). Also called: Limb-girdle muscular dystrophy, type 2J; MUSCULAR DYSTROPHY, LIMB-GIRDLE, AUTOSOMAL RECESSIVE 10. Identifiers: Orphanet 140922, MedGen C1837342, MONDO:0012127, OMIM 608807.

Allele frequency attached by ClinVar (database versions not stated): ExAC 0.00001.
gnomAD v4.1: 2 of 1,613,510 alleles (0.00012%); highest among the groups gnomAD compares: Non-Finnish European, 0.00017%; no homozygotes.

Submission:

Labcorp Genetics (formerly Invitae), Labcorp
Classification: Uncertain significance for Dilated cardiomyopathy 1G; Autosomal recessive limb-girdle muscular dystrophy type 2J. Last evaluated: 2025-10-02. Review status: criteria provided, single submitter. Criteria: Invitae Variant Classification Sherloc (09022015). Collection method: clinical testing. Allele origin: germline.
Comment: This sequence change replaces lysine, which is basic and polar, with methionine, which is neutral and non-polar, at codon 35560 of the TTN protein (p.Lys35560Met). This variant is present in population databases (rs767746087, gnomAD 0.0009%). This variant has not been reported in the literature in individuals affected with TTN-related conditions. ClinVar contains an entry for this variant (Variation ID: 2952134). Experimental studies and prediction algorithms are not available or were not evaluated, and the functional significance of this variant is currently unknown. This variant is located in the M band of TTN (PMID: 25589632). Non-truncating variants in this region may be relevant for neuromuscular disorders, but have not been definitively shown to cause cardiomyopathy (PMID: 23975875). In summary, the available evidence is currently insufficient to determine the role of this variant in disease. Therefore, it has been classified as a Variant of Uncertain Significance.

Literature cited by the submitters: PubMed 25589632; PubMed 23975875.

NM_001267550.2(TTN):c.106679A>T (p.Lys35560Met)

Genes: TTN (titin; minus strand), TTN-AS1 (TTN antisense RNA 1; plus strand). Cytogenetic location: 2q31.2.
Variant type: single nucleotide variant.
Coding change: c.106679A>T on transcript NM_001267550.2 (MANE Select); coding-DNA position 106679, A replaced by T.
Protein change: p.Lys35560Met; replaces lysine 35560 with methionine.
Molecular consequence: missense variant.
Genome position (GRCh38, 1-based): chr2:178,529,072, T>A on the plus strand (A>T on the coding strand, the complement: TTN is on the minus strand). VCF-style: chr2-178529072-T-A. GRCh37 (hg19) VCF-style: chr2-179393799-T-A.
Other names: c.101756A>T, p.Lys33919Met (NM_001256850.1); c.79484A>T, p.Lys26495Met (NM_003319.4); c.98975A>T, p.Lys32992Met (NM_133378.4); c.79859A>T, p.Lys26620Met (NM_133432.3); c.80060A>T, p.Lys26687Met (NM_133437.4); short protein forms K33919M, K35560M, K26620M, K26687M, K26495M, K32992M.
Identifiers: ClinVar variation 2952134 (VCV002952134.3), dbSNP rs767746087, ClinGen allele CA1985059.